The following is an entry in ClinVar:

ClinVar aggregate classification (germline): Uncertain significance. Review status: criteria provided, multiple submitters, no conflicts (2 of 4 stars). 2 submissions from 2 submitters: Uncertain significance (2). Last evaluated 2026-01-11.

Conditions:
Inborn genetic diseases. Identifiers: MedGen C0950123, MeSH D030342.

Allele frequency attached by ClinVar (database versions not stated): gnomAD exomes below 0.00001; ExAC 0.00002; gnomAD 0.00003; TOPMed 0.00004.

Submissions (2):

Labcorp Genetics (formerly Invitae), Labcorp
Classification: Uncertain significance. Last evaluated: 2026-01-11. Review status: criteria provided, single submitter. Criteria: Invitae Variant Classification Sherloc (09022015). Collection method: clinical testing. Allele origin: germline.
Comment: This sequence change replaces methionine, which is neutral and non-polar, with valine, which is neutral and non-polar, at codon 454 of the FAM111A protein (p.Met454Val). This variant is present in population databases (rs754170888, gnomAD 0.01%). This variant has not been reported in the literature in individuals affected with FAM111A-related conditions. ClinVar contains an entry for this variant (Variation ID: 2220920). Invitae Evidence Modeling of protein sequence and biophysical properties (such as structural, functional, and spatial information, amino acid conservation, physicochemical variation, residue mobility, and thermodynamic stability) indicates that this missense variant is not expected to disrupt FAM111A protein function with a negative predictive value of 80%. In summary, the available evidence is currently insufficient to determine the role of this variant in disease. Therefore, it has been classified as a Variant of Uncertain Significance.

Ambry Genetics
Classification: Uncertain significance for Inborn genetic diseases. Last evaluated: 2022-12-21. Review status: criteria provided, single submitter. Criteria: Ambry Variant Classification Scheme 2023. Collection method: clinical testing. Allele origin: germline.

NM_001312909.2(FAM111A):c.1360A>G (p.Met454Val)

Gene: FAM111A (FAM111 trypsin like peptidase A; plus strand). Cytogenetic location: 11q12.1.
Variant type: single nucleotide variant.
Coding change: c.1360A>G on transcript NM_001312909.2 (MANE Select); coding-DNA position 1360, A replaced by G.
Protein change: p.Met454Val; replaces methionine 454 with valine.
Molecular consequence: missense variant.
Genome position (GRCh38, 1-based): chr11:59,153,028, A>G. VCF-style: chr11-59153028-A-G. GRCh37 (hg19) VCF-style: chr11-58920501-A-G.
Other names: c.1360A>G, p.Met454Val (NM_001142519.3, NM_001142520.3, NM_001142521.3 and 29 more transcripts); short protein forms M454V.
Identifiers: ClinVar variation 2220920 (VCV002220920.3), dbSNP rs754170888, ClinGen allele CA6016757.